The following is an entry in ClinVar:

ClinVar aggregate classification (germline): Likely pathogenic (1 of 4 stars; one submission).

Conditions:
Nemaline myopathy 2 (NEM2). Also called: Nemaline myopathy 2, autosomal recessive. Identifiers: MedGen C1850569, MONDO:0009725, OMIM 256030.

Submission:

Myriad Genetics, Inc.
Classification: Likely pathogenic for Nemaline myopathy 2. Last evaluated: 2022-01-02. Review status: criteria provided, single submitter. Criteria: Myriad Women's Health Autosomal Recessive and X-Linked Classification Criteria (2021). Collection method: clinical testing. Allele origin: unknown.
Comment: NM_001271208.1(NEB):c.18839_18841delTGGinsA(L6280Qfs*17) is expected to be pathogenic in the context of NEB-related nemaline myopathy. This variant is predicted to lead to an abnormal or absent protein product due to the creation of a premature termination codon in NEB, a gene where loss-of-function variants are known to be pathogenic. Please note: this variant was assessed in the context of healthy population screening.

NM_001164508.2(NEB):c.18839_18841delinsA (p.Leu6280fs)

Gene: NEB (nebulin; minus strand). Cytogenetic location: 2q23.3.
Variant type: Indel.
Coding change: c.18839_18841delinsA on transcript NM_001164508.2 (MANE Select); coding-DNA positions 18839 to 18841, TGG replaced by A.
Protein change: p.Leu6280fs; shifts the reading frame from leucine 6280.
Molecular consequence: frameshift variant.
Genome position (GRCh38, 1-based): chr2:151,562,661-151,562,663, CCA replaced by T on the plus strand (TGG replaced by A on the coding strand, the reverse complement: NEB is on the minus strand). VCF-style: chr2-151562661-CCA-T. GRCh37 (hg19) VCF-style: chr2-152419175-CCA-T.
Other names: c.18839_18841delinsA, p.Leu6280fs (NM_001164507.2, NM_001271208.2); c.13736_13738delinsA, p.Leu4579fs (NM_004543.5); short protein forms L4579fs, L6280fs.
Identifiers: ClinVar variation 1726887 (VCV001726887.2), dbSNP rs2552190497, ClinGen allele CA2580063937.